The following is an entry in ClinVar:

ClinVar aggregate classification (germline): Likely pathogenic (1 of 4 stars; one submission).

Submission:

Mayo Clinic Laboratories, Mayo Clinic
Classification: Likely pathogenic. Last evaluated: 2025-12-13. Review status: criteria provided, single submitter. Criteria: ACMG Guidelines, 2015. Collection method: clinical testing. Allele origin: germline. Observed: 1 variant allele.
Comment: PM2_supporting, PVS1

NM_139057.4(ADAMTS17):c.367G>T (p.Glu123Ter)

Gene: ADAMTS17 (ADAM metallopeptidase with thrombospondin type 1 motif 17; minus strand). Cytogenetic location: 15q26.3.
Variant type: single nucleotide variant.
Coding change: c.367G>T on transcript NM_139057.4 (MANE Select); coding-DNA position 367, G replaced by T.
Protein change: p.Glu123Ter; replaces glutamic acid 123 with a stop codon.
Molecular consequence: nonsense.
Genome position (GRCh38, 1-based): chr15:100,341,122, C>A on the plus strand (G>T on the coding strand, the complement: ADAMTS17 is on the minus strand). VCF-style: chr15-100341122-C-A. GRCh37 (hg19) VCF-style: chr15-100881327-C-A.
Other names: p.Glu123*; short protein forms E123*.
Identifiers: ClinVar variation 4541984 (VCV004541984.1).
Genomic context (GRCh38, chr15:100,341,122, plus strand): 5'-CGCTGAGCGAGACGAGGGAGCCGGGGTGGCCGAGCACACGGCCCGAGTAGAAGCACAGCT[C>A]GGCGGGGCGGCCGCGGCGCCGGGCCGCGCCCGCCTCCTCCACCTCGAAGCCTCGGGACAG-3'